The following is an entry in ClinVar:

NM_207346.3(TSEN54):c.869dup (p.Ala291fs)

Gene: TSEN54 (tRNA splicing endonuclease subunit 54; plus strand). Cytogenetic location: 17q25.1.
Variant type: Duplication.
Coding change: c.869dup on transcript NM_207346.3 (MANE Select); coding-DNA position 869, one base duplicated (G; older notation c.869dupG).
Protein change: p.Ala291fs; shifts the reading frame from alanine 291.
Molecular consequence: frameshift variant.
Genome position (GRCh38, 1-based): chr17:75,521,950, G duplicated; the last of 3 consecutive G bases (chr17:75,521,948-75,521,950); duplicating any one gives the same sequence. VCF-style (leftmost placement, unchanged base first): chr17-75521947-C-CG. GRCh37 (hg19) VCF-style: chr17-73518028-C-CG.
Other names: short protein forms A291fs.
Identifiers: ClinVar variation 2804488 (VCV002804488.3), dbSNP rs1386935097, ClinGen allele CA627594362.

ClinVar aggregate classification (germline): Pathogenic (1 of 4 stars; one submission).

Submission:

Labcorp Genetics (formerly Invitae), Labcorp
Classification: Pathogenic. Last evaluated: 2023-04-25. Review status: criteria provided, single submitter. Criteria: Invitae Variant Classification Sherloc (09022015). Collection method: clinical testing. Allele origin: germline.
Comment: For these reasons, this variant has been classified as Pathogenic. This variant has not been reported in the literature in individuals affected with TSEN54-related conditions. This variant is present in population databases (no rsID available, gnomAD 0.003%). This sequence change creates a premature translational stop signal (p.Ala291Serfs*3) in the TSEN54 gene. It is expected to result in an absent or disrupted protein product. Loss-of-function variants in TSEN54 are known to be pathogenic (PMID: 18711368, 20952379).

Literature cited by the submitters: PubMed 18711368; PubMed 20952379.